The following is an entry in ClinVar:

ClinVar aggregate classification (germline): Uncertain significance (1 of 4 stars; one submission).

Conditions:
Frontotemporal dementia and/or amyotrophic lateral sclerosis 4. Also called: FTDALS4. Identifiers: Orphanet 275872, MedGen C4225325, MONDO:0014641, OMIM 616439.

Allele frequency attached by ClinVar (database versions not stated): gnomAD exomes below 0.00001.

Submission:

Labcorp Genetics (formerly Invitae), Labcorp
Classification: Uncertain significance for Frontotemporal dementia and/or amyotrophic lateral sclerosis 4. Last evaluated: 2021-11-24. Review status: criteria provided, single submitter. Criteria: Invitae Variant Classification Sherloc (09022015). Collection method: clinical testing. Allele origin: germline.
Comment: This sequence change replaces isoleucine, which is neutral and non-polar, with threonine, which is neutral and polar, at codon 257 of the TBK1 protein (p.Ile257Thr). In summary, the available evidence is currently insufficient to determine the role of this variant in disease. Therefore, it has been classified as a Variant of Uncertain Significance. Advanced modeling of protein sequence and biophysical properties (such as structural, functional, and spatial information, amino acid conservation, physicochemical variation, residue mobility, and thermodynamic stability) performed at Invitae indicates that this missense variant is not expected to disrupt TBK1 protein function. This missense change has been observed in individual(s) with amyotrophic lateral sclerosis (PMID: 25700176). This variant is not present in population databases (gnomAD no frequency).

Literature cited by the submitters: PubMed 25700176.

NM_013254.4(TBK1):c.770T>C (p.Ile257Thr)

Gene: TBK1 (TANK binding kinase 1; plus strand). Cytogenetic location: 12q14.2.
Variant type: single nucleotide variant.
Coding change: c.770T>C on transcript NM_013254.4 (MANE Select); coding-DNA position 770, T replaced by C.
Protein change: p.Ile257Thr; replaces isoleucine 257 with threonine.
Molecular consequence: missense variant.
Genome position (GRCh38, 1-based): chr12:64,480,080, T>C. VCF-style: chr12-64480080-T-C. GRCh37 (hg19) VCF-style: chr12-64873860-T-C.
Other names: short protein forms I257T.
Identifiers: ClinVar variation 1432653 (VCV001432653.6), dbSNP rs1555203984, ClinGen allele CA385598519.
Genomic context (GRCh38, chr12:64,480,080, plus strand): 5'-TAATTACAGGAAAGCCTTCTGGTGCAATATCTGGAGTACAGAAAGCAGAAAATGGACCAA[T>C]TGACTGGAGTGGAGACATGCCTGTTTCTTGCAGTCTTTCTCGGTAAGTATGGTGTACCTA-3'
Protein context (NP_037386.1, residues 247-267): SGVQKAENGP[Ile257Thr]DWSGDMPVSC